The following is an entry in ClinVar:

ClinVar aggregate classification (germline): Benign (0 of 4 stars; one submission).

Conditions:
MFHAS1-related disorder. Also called: MFHAS1-related condition.

Allele frequency attached by ClinVar (database versions not stated): gnomAD exomes 0.00036; ExAC 0.00145; gnomAD 0.00381; ESP Exome Variant Server 0.00447; 1000 Genomes Project 0.00459; TOPMed 0.00460; 1000 Genomes Project 30x 0.00484.
gnomAD v4.1: 1,131 of 1,607,190 alleles (0.07%); highest among the groups gnomAD compares: African/African-American, 1.4%; 10 homozygotes.

Submission:

PreventionGenetics, part of Exact Sciences
Classification: Benign for MFHAS1-related condition. Last evaluated: 2019-03-25. Review status: no assertion criteria provided. Collection method: clinical testing. Allele origin: germline.
Comment: This variant is classified as benign based on ACMG/AMP sequence variant interpretation guidelines (Richards et al. 2015 PMID: 25741868, with internal and published modifications).

NM_004225.3(MFHAS1):c.579C>T (p.Leu193=)

Gene: MFHAS1 (multifunctional ROCO family signaling regulator 1). Cytogenetic location: 8p23.1.
Variant type: single nucleotide variant.
Coding change: c.579C>T on transcript NM_004225.3 (MANE Select); coding-DNA position 579, C replaced by T.
Protein change: p.Leu193=; no amino-acid change (leucine 193 retained).
Molecular consequence: synonymous variant.
Genome position (GRCh38, 1-based): chr8:8,892,480, G>A on the plus strand (C>T on the coding strand, the complement: MFHAS1 is on the minus strand). VCF-style: chr8-8892480-G-A. GRCh37 (hg19) VCF-style: chr8-8749990-G-A.
Identifiers: ClinVar variation 3034166 (VCV003034166.2), dbSNP rs35036539, ClinGen allele CA4619471.